The following is an entry in ClinVar:

NM_031935.3(HMCN1):c.7255A>G (p.Thr2419Ala)

Gene: HMCN1 (hemicentin 1; plus strand). Cytogenetic location: 1q31.1.
Variant type: single nucleotide variant.
Coding change: c.7255A>G on transcript NM_031935.3 (MANE Select); coding-DNA position 7255, A replaced by G.
Protein change: p.Thr2419Ala; replaces threonine 2419 with alanine.
Molecular consequence: missense variant.
Genome position (GRCh38, 1-based): chr1:186,057,344, A>G. VCF-style: chr1-186057344-A-G. GRCh37 (hg19) VCF-style: chr1-186026476-A-G.
Other names: short protein forms T2419A.
Identifiers: ClinVar variation 1473066 (VCV001473066.6), dbSNP rs776278874, ClinGen allele CA1292781.

ClinVar aggregate classification (germline): Uncertain significance (1 of 4 stars; one submission).

Allele frequency attached by ClinVar (database versions not stated): gnomAD exomes below 0.00001; ExAC 0.00001.
gnomAD v4.1: 5 of 1,610,706 alleles (0.00031%); highest among the groups gnomAD compares: East Asian, 0.0045%; no homozygotes.

Submission:

Labcorp Genetics (formerly Invitae), Labcorp
Classification: Uncertain significance. Last evaluated: 2025-04-17. Review status: criteria provided, single submitter. Criteria: Invitae Variant Classification Sherloc (09022015). Collection method: clinical testing. Allele origin: germline.
Comment: This sequence change replaces threonine, which is neutral and polar, with alanine, which is neutral and non-polar, at codon 2419 of the HMCN1 protein (p.Thr2419Ala). This variant is present in population databases (rs776278874, gnomAD 0.0009%). This variant has not been reported in the literature in individuals affected with HMCN1-related conditions. ClinVar contains an entry for this variant (Variation ID: 1473066). An algorithm developed to predict the effect of missense changes on protein structure and function outputs the following: PolyPhen-2: "Benign". The alanine amino acid residue is found in multiple mammalian species, which suggests that this missense change does not adversely affect protein function. In summary, the available evidence is currently insufficient to determine the role of this variant in disease. Therefore, it has been classified as a Variant of Uncertain Significance.